The following is an entry in ClinVar:

NM_000275.3(OCA2):c.2079+4A>T

Gene: OCA2 (OCA2 melanosomal transmembrane protein; minus strand). Cytogenetic location: 15q13.1.
Variant type: single nucleotide variant.
Coding change: c.2079+4A>T on transcript NM_000275.3 (MANE Select); 4 bases into the intron after coding-DNA position 2079, A replaced by T.
Molecular consequence: intron variant.
Genome position (GRCh38, 1-based): chr15:27,926,123, T>A on the plus strand (A>T on the coding strand, the complement: OCA2 is on the minus strand). VCF-style: chr15-27926123-T-A. GRCh37 (hg19) VCF-style: chr15-28171269-T-A.
Other names: c.2007+4A>T (NM_001300984.2).
Identifiers: ClinVar variation 3233735 (VCV003233735.2), dbSNP rs2140370958, ClinGen allele CA2695219756.

ClinVar aggregate classification (germline): Uncertain significance (1 of 4 stars; one submission).

Submission:

Women's Health and Genetics/Laboratory Corporation of America, LabCorp
Classification: Uncertain significance. Last evaluated: 2024-03-28. Review status: criteria provided, single submitter. Criteria: LabCorp Variant Classification Summary - May 2015. Collection method: clinical testing. Allele origin: germline.
Comment: Variant summary: OCA2 c.2079+4A>T alters a conserved nucleotide located close to a canonical splice site and therefore could affect mRNA splicing, leading to a significantly altered protein sequence. Several computational tools predict a significant impact on normal splicing: Three predict the variant weakens a canonical 5' donor site. One predicts the variant abolishes a canonical 5' splicing donor site. However, these predictions have yet to be confirmed by functional studies. The variant was absent in 250956 control chromosomes (gnomAD). The available data on variant occurrences in the general population are insufficient to allow any conclusion about variant significance. c.2079+4A>T has been reported in the literature in at-least one individual affected with Oculocutaneous Albinism (example: Lasseaux_2018). This report does not provide unequivocal conclusions about association of the variant with Oculocutaneous Albinism. To our knowledge, no experimental evidence demonstrating an impact on protein function has been reported. The following publication has been ascertained in the context of this evaluation (PMID: 29345414). No submitters have cited clinical-significance assessments for this variant to ClinVar. Based on the evidence outlined above, the variant was classified as uncertain significance.

Literature cited by the submitters: PubMed 29345414.